The following is an entry in ClinVar:

ClinVar aggregate classification (germline): Uncertain significance. Review status: criteria provided, multiple submitters, no conflicts (2 of 4 stars). 2 submissions from 2 submitters: Uncertain significance (2). Last evaluated 2025-10-03.

Conditions:
Hereditary cancer-predisposing syndrome. Also called: Neoplastic Syndromes, Hereditary; Hereditary Cancer Syndrome; Tumor predisposition; Hereditary neoplastic syndrome. Identifiers: Orphanet 140162, MedGen C0027672, MeSH D009386, MONDO:0015356.

Allele frequency attached by ClinVar (database versions not stated): gnomAD exomes 0.00001.
gnomAD v4.1: 2 of 1,613,722 alleles (0.00012%); highest among the groups gnomAD compares: Non-Finnish European, 0.000085%; no homozygotes.

Submissions (2):

Ambry Genetics
Classification: Uncertain significance for Hereditary cancer-predisposing syndrome. Last evaluated: 2025-10-03. Review status: criteria provided, single submitter. Criteria: Ambry Variant Classification Scheme 2023. Collection method: clinical testing. Allele origin: germline.
Comment: The p.E232K variant (also known as c.694G>A), located in coding exon 2 of the HOXB13 gene, results from a G to A substitution at nucleotide position 694. The glutamic acid at codon 232 is replaced by lysine, an amino acid with similar properties. This amino acid position is conserved. In addition, this alteration is predicted to be deleterious by in silico analysis. Based on the available evidence, the clinical significance of this variant remains unclear.

Labcorp Genetics (formerly Invitae), Labcorp
Classification: Uncertain significance. Last evaluated: 2022-09-14. Review status: criteria provided, single submitter. Criteria: Invitae Variant Classification Sherloc (09022015). Collection method: clinical testing. Allele origin: germline.
Comment: This sequence change replaces glutamic acid, which is acidic and polar, with lysine, which is basic and polar, at codon 232 of the HOXB13 protein (p.Glu232Lys). This variant is present in population databases (no rsID available, gnomAD 0.005%). In summary, the available evidence is currently insufficient to determine the role of this variant in disease. Therefore, it has been classified as a Variant of Uncertain Significance. Algorithms developed to predict the effect of missense changes on protein structure and function (SIFT, PolyPhen-2, Align-GVGD) all suggest that this variant is likely to be disruptive. ClinVar contains an entry for this variant (Variation ID: 1035892). This variant has not been reported in the literature in individuals affected with HOXB13-related conditions.

NM_006361.6(HOXB13):c.694G>A (p.Glu232Lys)

Gene: HOXB13 (homeobox B13; minus strand). Cytogenetic location: 17q21.32.
Variant type: single nucleotide variant.
Coding change: c.694G>A on transcript NM_006361.6 (MANE Select); coding-DNA position 694, G replaced by A.
Protein change: p.Glu232Lys; replaces glutamic acid 232 with lysine.
Molecular consequence: missense variant.
Genome position (GRCh38, 1-based): chr17:48,726,951, C>T on the plus strand (G>A on the coding strand, the complement: HOXB13 is on the minus strand). VCF-style: chr17-48726951-C-T. GRCh37 (hg19) VCF-style: chr17-46804313-C-T.
Other names: c.694G>A (NM_006361.5); short protein forms E232K.
Identifiers: ClinVar variation 1035892 (VCV001035892.7), dbSNP rs1370849824, ClinGen allele CA400106571.